The following is an entry in ClinVar:

NM_172250.3(MMAA):c.439+4_439+7del

Gene: MMAA (metabolism of cobalamin associated A; plus strand). Cytogenetic location: 4q31.21.
Variant type: Deletion.
Coding change: c.439+4_439+7del on transcript NM_172250.3 (MANE Select); bases 4 to 7 of the intron after coding-DNA position 439, 4 bases deleted (AGTC; older notation c.439+4_439+7delAGTC).
Molecular consequence: splice donor variant.
Genome position (GRCh38, 1-based): chr4:145,639,582-145,639,585, AGTC deleted; deleting any 4 consecutive bases within chr4:145,639,579-145,639,585 gives the same sequence; the c. name uses the placement nearest the transcript's 3' end. VCF-style (leftmost placement, unchanged base first): chr4-145639578-GGTCA-G. GRCh37 (hg19) VCF-style: chr4-146560730-GGTCA-G.
Other names: c.439+4_439+7delAGTC (NM_172250.2).
Identifiers: ClinVar variation 549964 (VCV000549964.14), dbSNP rs1553957939, ClinGen allele CA658823108.

ClinVar aggregate classification (germline): Likely pathogenic. Review status: criteria provided, multiple submitters, no conflicts (2 of 4 stars). 4 submissions from 4 submitters: Likely pathogenic (3). 1 of the submissions does not count toward it. Last evaluated 2024-04-10.

Conditions:
Methylmalonic aciduria, cblA type (MACA). Also called: Vitamin B12-responsive methylmalonic acidemia type cblA; Methylmalonic aciduria, vitamin B12-responsive; Methylmalonic aciduria, vitamin b12-responsive, due to defect in synthesis of adenosylcobalamin, cbla complementation type; MMA cbl A type; Methylmalonic acidemia cblA type. Identifiers: Orphanet 28, Orphanet 79310, MedGen C1855109, MONDO:0009613, OMIM 251100.

Submissions (4):

Fulgent Genetics
Classification: Likely pathogenic for Methylmalonic aciduria, cblA type. Last evaluated: 2024-04-10. Review status: criteria provided, single submitter. Criteria: ACMG Guidelines, 2015. Collection method: clinical testing. Allele origin: germline.

Baylor Genetics
Classification: Likely pathogenic for Methylmalonic aciduria, cblA type. Last evaluated: 2023-12-27. Review status: criteria provided, single submitter. Criteria: ACMG Guidelines, 2015. Collection method: clinical testing. Allele origin: unknown.

Labcorp Genetics (formerly Invitae), Labcorp
Classification: Likely pathogenic for Methylmalonic aciduria, cblA type. Last evaluated: 2023-10-23. Review status: criteria provided, single submitter. Criteria: Invitae Variant Classification Sherloc (09022015). Collection method: clinical testing. Allele origin: germline.
Comment: This sequence change falls in intron 2 of the MMAA gene. It does not directly change the encoded amino acid sequence of the MMAA protein. It affects a nucleotide within the consensus splice site. This variant is not present in population databases (gnomAD no frequency). This variant has been observed in individual(s) with cobalamin A deficiency (PMID: 15523652, 31497484). In at least one individual the data is consistent with being in trans (on the opposite chromosome) from a pathogenic variant. This variant is also known as c.439+1_4del. ClinVar contains an entry for this variant (Variation ID: 549964). Variants that disrupt the consensus splice site are a relatively common cause of aberrant splicing (PMID: 17576681, 9536098). Algorithms developed to predict the effect of sequence changes on RNA splicing suggest that this variant may disrupt the consensus splice site. In summary, the currently available evidence indicates that the variant is pathogenic, but additional data are needed to prove that conclusively. Therefore, this variant has been classified as Likely Pathogenic.

Counsyl
Classification: Uncertain significance for Methylmalonic aciduria, cblA type. Last evaluated: 2017-07-27. Review status: no assertion criteria provided. Collection method: clinical testing. Allele origin: unknown. Not counted in ClinVar's aggregate classification.

Literature cited by the submitters: PubMed 15523652 (cited by Labcorp Genetics (formerly Invitae), Labcorp and Counsyl); PubMed 31497484 (cited by Labcorp Genetics (formerly Invitae), Labcorp); PubMed 17576681 (cited by Labcorp Genetics (formerly Invitae), Labcorp); PubMed 9536098 (cited by Labcorp Genetics (formerly Invitae), Labcorp).